The following is an entry in ClinVar:

ClinVar aggregate classification (germline): Uncertain significance (1 of 4 stars; one submission).

Submission:

Labcorp Genetics (formerly Invitae), Labcorp
Classification: Uncertain significance. Last evaluated: 2023-08-01. Review status: criteria provided, single submitter. Criteria: Invitae Variant Classification Sherloc (09022015). Collection method: clinical testing. Allele origin: germline.
Comment: This sequence change replaces glutamic acid, which is acidic and polar, with glycine, which is neutral and non-polar, at codon 482 of the CTNNA1 protein (p.Glu482Gly). This variant is not present in population databases (gnomAD no frequency). This variant has not been reported in the literature in individuals affected with CTNNA1-related conditions. Advanced modeling of protein sequence and biophysical properties (such as structural, functional, and spatial information, amino acid conservation, physicochemical variation, residue mobility, and thermodynamic stability) performed at Invitae indicates that this missense variant is not expected to disrupt CTNNA1 protein function. In summary, the available evidence is currently insufficient to determine the role of this variant in disease. Therefore, it has been classified as a Variant of Uncertain Significance.

NM_001903.5(CTNNA1):c.1445A>G (p.Glu482Gly)

Gene: CTNNA1 (catenin alpha 1; plus strand). Cytogenetic location: 5q31.2.
Variant type: single nucleotide variant.
Coding change: c.1445A>G on transcript NM_001903.5 (MANE Select); coding-DNA position 1445, A replaced by G.
Protein change: p.Glu482Gly; replaces glutamic acid 482 with glycine.
Molecular consequence: missense variant. On other transcripts: 5 prime UTR variant (5).
Genome position (GRCh38, 1-based): chr5:138,917,797, A>G. VCF-style: chr5-138917797-A-G. GRCh37 (hg19) VCF-style: chr5-138253486-A-G.
Other names: c.1445A>G, p.Glu482Gly (NM_001290307.3, NM_001323982.2, NM_001323983.1 and 2 more transcripts); c.1136A>G, p.Glu379Gly (NM_001290309.3); c.1076A>G, p.Glu359Gly (NM_001290310.3); c.335A>G, p.Glu112Gly (NM_001290312.1, NM_001323987.1, NM_001323988.1 and 17 more transcripts); c.1352A>G, p.Glu451Gly (NM_001323986.2); c.-5A>G (NM_001324006.1, NM_001324007.1, NM_001324008.1 and 2 more transcripts); c.242A>G, p.Glu81Gly (NM_001324011.1); c.92A>G, p.Glu31Gly (NM_001324012.1, NM_001324013.1); short protein forms E112G, E379G, E359G, E482G, E31G, E451G, E81G.
Identifiers: ClinVar variation 2748946 (VCV002748946.3), dbSNP rs2533589020, ClinGen allele CA361137198.